The following is an entry in ClinVar:

NM_005918.4(MDH2):c.498C>G (p.Ile166Met)

Gene: MDH2 (malate dehydrogenase 2; plus strand). Cytogenetic location: 7q11.23.
Variant type: single nucleotide variant.
Coding change: c.498C>G on transcript NM_005918.4 (MANE Select); coding-DNA position 498, C replaced by G.
Protein change: p.Ile166Met; replaces isoleucine 166 with methionine.
Molecular consequence: missense variant. On other transcripts: intron variant (1).
Genome position (GRCh38, 1-based): chr7:76,060,441, C>G. VCF-style: chr7-76060441-C-G. GRCh37 (hg19) VCF-style: chr7-75689759-C-G.
Other names: c.177C>G, p.Ile59Met (NM_001282404.2); c.429+2363C>G (NM_001282403.2); short protein forms I166M, I59M.
Identifiers: ClinVar variation 1744565 (VCV001744565.2), dbSNP rs1585408556, ClinGen allele CA367764984.
Genomic context (GRCh38, chr7:76,060,441, plus strand): 5'-CACCATCCCCATCACAGCAGAAGTTTTCAAGAAGCATGGAGTGTACAACCCCAACAAAAT[C>G]TTCGGCGTGACGACCCTGGACATCGTCAGAGCCAACACCTTTGTTGCAGAGCTGAAGGTA-3'
Protein context (NP_005909.2, residues 156-176): KKHGVYNPNK[Ile166Met]FGVTTLDIVR

ClinVar aggregate classification (germline): Uncertain significance (1 of 4 stars; one submission).

Conditions:
Inborn genetic diseases. Identifiers: MedGen C0950123, MeSH D030342.

gnomAD v4.1: 1 of 1,614,168 alleles (0.000062%); no homozygotes.

Submission:

Ambry Genetics
Classification: Uncertain significance for Inborn genetic diseases. Last evaluated: 2021-10-31. Review status: criteria provided, single submitter. Criteria: Ambry Variant Classification Scheme 2023. Collection method: clinical testing. Allele origin: germline.
Comment: The p.I166M variant (also known as c.498C>G), located in coding exon 5 of the MDH2 gene, results from a C to G substitution at nucleotide position 498. The isoleucine at codon 166 is replaced by methionine, an amino acid with highly similar properties. This amino acid position is conserved. In addition, the in silico prediction for this alteration is inconclusive. Since supporting evidence is limited at this time, the clinical significance of this alteration remains unclear.